The following is an entry in ClinVar:

ClinVar aggregate classification (germline): Uncertain significance (1 of 4 stars; one submission).

Submission:

CeGaT Center for Human Genetics Tuebingen
Classification: Uncertain significance. Last evaluated: 2026-02-01. Review status: criteria provided, single submitter. Criteria: CeGaT Center For Human Genetics Tuebingen Variant Classification Criteria Version 2. Collection method: clinical testing. Allele origin: germline. Affected: yes. Observed: 1 variant allele.
Comment: CUX1: PM2, BP4

NM_181552.4(CUX1):c.2269T>C (p.Tyr757His)

Gene: CUX1 (cut like homeobox 1; plus strand). Cytogenetic location: 7q22.1.
Variant type: single nucleotide variant.
Coding change: c.2269T>C on transcript NM_181552.4 (MANE Select); coding-DNA position 2269, T replaced by C.
Protein change: p.Tyr757His; replaces tyrosine 757 with histidine.
Molecular consequence: missense variant. On other transcripts: intron variant (5).
Genome position (GRCh38, 1-based): chr7:102,201,566, T>C. VCF-style: chr7-102201566-T-C. GRCh37 (hg19) VCF-style: chr7-101844846-T-C.
Other names: c.2302T>C, p.Tyr768His (NM_001202543.2); c.1255+5963T>C (NM_001913.5); c.1249+5963T>C (NM_181500.4); c.1117+5963T>C (NM_001202545.3); c.1207+5963T>C (NM_001202544.3); c.1138+5963T>C (NM_001202546.3); short protein forms Y757H, Y768H.
Identifiers: ClinVar variation 4822509 (VCV004822509.4).